The following is an entry in ClinVar:

ClinVar aggregate classification (germline): Conflicting classifications of pathogenicity. Review status: criteria provided, conflicting classifications (1 of 4 stars). 4 submissions from 4 submitters: Uncertain significance (3); Likely benign (1). Last evaluated 2025-07-21.

Conditions:
Autosomal dominant Robinow syndrome 1. Also called: WNT5A-Related Robinow Syndrome, Autosomal Dominant; ACRAL DYSOSTOSIS WITH FACIAL AND GENITAL ABNORMALITIES; FETAL FACE SYNDROME; Covesdem syndrome (formerly); Costovertebral segmentation defect with mesomelia (formerly); ROBINOW DWARFISM. Identifiers: Orphanet 3107, Orphanet 97360, MedGen C4551475, MONDO:0024455, OMIM 180700.

Allele frequency attached by ClinVar (database versions not stated): gnomAD 0.00001; TOPMed 0.00001.
gnomAD v4.1: 17 of 1,572,488 alleles (0.0011%); highest among the groups gnomAD compares: Middle Eastern, 0.033%; no homozygotes.

Submissions (4):

Labcorp Genetics (formerly Invitae), Labcorp
Classification: Uncertain significance. Last evaluated: 2025-07-21. Review status: criteria provided, single submitter. Criteria: Invitae Variant Classification Sherloc (09022015). Collection method: clinical testing. Allele origin: germline.
Comment: This sequence change replaces valine, which is neutral and non-polar, with leucine, which is neutral and non-polar, at codon 39 of the WNT5A protein (p.Val39Leu). This variant is present in population databases (no rsID available, gnomAD 0.002%). This variant has not been reported in the literature in individuals affected with WNT5A-related conditions. ClinVar contains an entry for this variant (Variation ID: 977082). An algorithm developed to predict the effect of missense changes on protein structure and function (PolyPhen-2) suggests that this variant is likely to be tolerated. In summary, the available evidence is currently insufficient to determine the role of this variant in disease. Therefore, it has been classified as a Variant of Uncertain Significance.

Blueprint Genetics
Classification: Likely benign. Last evaluated: 2024-06-12. Review status: criteria provided, single submitter. Criteria: ACMG Guidelines, 2015. Collection method: clinical testing. Allele origin: germline.

Fulgent Genetics
Classification: Uncertain significance for Autosomal dominant Robinow syndrome 1. Last evaluated: 2021-08-18. Review status: criteria provided, single submitter. Criteria: ACMG Guidelines, 2015. Collection method: clinical testing. Allele origin: unknown.

Johns Hopkins Genomics, Johns Hopkins University
Classification: Uncertain significance for Autosomal dominant Robinow syndrome 1. Last evaluated: 2020-07-29. Review status: criteria provided, single submitter. Criteria: ACMG Guidelines, 2015. Collection method: clinical testing. Allele origin: germline.
Comment: This WNT5A variant (rs1369701937) is rare (<0.1%) in a large population dataset (gnomAD: 2/195038 total alleles; 0.001%; no homozygotes) and has not been reported in ClinVar nor the literature to our knowledge. Three bioinformatics tools queried predict that this substitution would be tolerated. The valine residue at this position is strongly conserved across the vertebrate species accessed10, and is located near the predicted signal peptide cleavage site between amino acid positions 37 and 38. This variant is not predicted to affect normal exon 2 splicing, although this has not been confirmed experimentally to our knowledge. Due to insufficient evidence, we consider the clinical significance of c.115G>C to be uncertain at this time.

Literature cited by the submitters: PubMed 16602827 (cited by Johns Hopkins Genomics, Johns Hopkins University); PubMed 19918918 (cited by Johns Hopkins Genomics, Johns Hopkins University); PubMed 29276006 (cited by Johns Hopkins Genomics, Johns Hopkins University); PubMed 30760477 (cited by Johns Hopkins Genomics, Johns Hopkins University).

NM_003392.7(WNT5A):c.115G>C (p.Val39Leu)

Gene: WNT5A (Wnt family member 5A; minus strand). Cytogenetic location: 3p14.3.
Variant type: single nucleotide variant.
Coding change: c.115G>C on transcript NM_003392.7 (MANE Select); coding-DNA position 115, G replaced by C.
Protein change: p.Val39Leu; replaces valine 39 with leucine.
Molecular consequence: missense variant.
Genome position (GRCh38, 1-based): chr3:55,480,810, C>G on the plus strand (G>C on the coding strand, the complement: WNT5A is on the minus strand). VCF-style: chr3-55480810-C-G. GRCh37 (hg19) VCF-style: chr3-55514838-C-G.
Other names: c.70G>C, p.Val24Leu (NM_001256105.1, NM_001377271.1, NM_001377272.1); short protein forms V24L, V39L.
Identifiers: ClinVar variation 977082 (VCV000977082.10), dbSNP rs1369701937, ClinGen allele CA353267839.